The following is an entry in ClinVar:

ClinVar aggregate classification (germline): Uncertain significance (1 of 4 stars; one submission).

gnomAD v4.1: 6 of 1,590,826 alleles (0.00038%); highest among the groups gnomAD compares: African/African-American, 0.0068%; no homozygotes.

Submission:

Dasa
Classification: Uncertain significance. Last evaluated: 2025-10-21. Review status: criteria provided, single submitter. Criteria: DASA Assertion Criteria. Collection method: clinical testing. Allele origin: germline.
Comment: NM_001348768.2(HECW2):c.2207T>A (p.Val736Asp) is a missense variant that results in the substitution of valine with aspartic acid. This variant is absent from population databases. The currently available literature and clinical evidence are not sufficient to establish a definitive association between this variant and the reported condition. Therefore, this variant is classified as a variant of uncertain significance.

NM_001348768.2(HECW2):c.2207T>A (p.Val736Asp)

Gene: HECW2 (HECT, C2 and WW domain containing E3 ubiquitin protein ligase 2; minus strand). Cytogenetic location: 2q32.3.
Variant type: single nucleotide variant.
Coding change: c.2207T>A on transcript NM_001348768.2 (MANE Select); coding-DNA position 2207, T replaced by A.
Protein change: p.Val736Asp; replaces valine 736 with aspartic acid.
Molecular consequence: missense variant.
Genome position (GRCh38, 1-based): chr2:196,318,683, A>T on the plus strand (T>A on the coding strand, the complement: HECW2 is on the minus strand). VCF-style: chr2-196318683-A-T. GRCh37 (hg19) VCF-style: chr2-197183407-A-T.
Other names: c.1139T>A, p.Val380Asp (NM_001304840.3); c.2207T>A, p.Val736Asp (NM_020760.4); short protein forms V380D, V736D.
Identifiers: ClinVar variation 4881992 (VCV004881992.2).
Genomic context (GRCh38, chr2:196,318,683, plus strand): 5'-TCTTGCGGTGGGCTCTCGGCAGCAGCTGCAGCTCCCTCCAGGCTCCCCCTCCGCTGCCAG[A>T]CCTCCCCCAGCTCCTCCTGGTCAGGTACAGTGGCCGATTCTGCCCCTGGCCCTTCATCCT-3'
Protein context (NP_001335697.1, residues 726-746): TVPDQEELGE[Val736Asp]WQRRGSLEGA